The following is an entry in ClinVar:

ClinVar aggregate classification (germline): Uncertain significance. Review status: criteria provided, multiple submitters, no conflicts (2 of 4 stars). 2 submissions from 2 submitters: Uncertain significance (2). Last evaluated 2025-04-30.

Conditions:
CEP290-related disorder. Also called: CEP290-related condition; CEP290-related disorders. Identifiers: MedGen CN239314.
Nephronophthisis. Also called: Juvenile Nephronophthisis. Identifiers: Orphanet 655, MedGen C0687120, MONDO:0019005, HP:0000090.
Joubert syndrome. Also called: Familial aplasia of the vermis; JOUBERT-BOLTSHAUSER SYNDROME. Identifiers: Orphanet 475, MedGen C5979921, MONDO:0018772.
Meckel-Gruber syndrome. Also called: Dysencephalia splachnocystica; DYSENCEPHALIA SPLANCHNOCYSTICA; GRUBER SYNDROME. Identifiers: Orphanet 564, MedGen C0265215, MONDO:0018921.

Allele frequency attached by ClinVar (database versions not stated): gnomAD 0.00001; gnomAD exomes 0.00002; TOPMed 0.00002; ExAC 0.00007.
gnomAD v4.1: 35 of 1,496,204 alleles (0.0023%); highest among the groups gnomAD compares: South Asian, 0.012%; 1 homozygote.

Submissions (2):

PreventionGenetics, part of Exact Sciences
Classification: Uncertain significance for CEP290-related condition. Last evaluated: 2025-04-30. Review status: criteria provided, single submitter. Criteria: ACMG Guidelines, 2015. Collection method: clinical testing. Allele origin: germline.
Comment: The CEP290 c.1403G>A variant is predicted to result in the amino acid substitution p.Cys468Tyr. This variant has been reported as uncertain in the literature in an individual with inherited retinal dystrophy (Table S4, Mihalich et al. 2024. PubMed ID: 38927702). This variant is reported in 0.016% of alleles in individuals of South Asian descent in gnomAD. At this time, the clinical significance of this variant is uncertain due to the absence of conclusive functional and genetic evidence.

Labcorp Genetics (formerly Invitae), Labcorp
Classification: Uncertain significance for Joubert syndrome; Meckel-Gruber syndrome; Nephronophthisis. Last evaluated: 2024-10-22. Review status: criteria provided, single submitter. Criteria: Invitae Variant Classification Sherloc (09022015). Collection method: clinical testing. Allele origin: germline.
Comment: This sequence change replaces cysteine, which is neutral and slightly polar, with tyrosine, which is neutral and polar, at codon 468 of the CEP290 protein (p.Cys468Tyr). The frequency data for this variant in the population databases is considered unreliable, as metrics indicate poor data quality at this position in the gnomAD database. This variant has not been reported in the literature in individuals affected with CEP290-related conditions. ClinVar contains an entry for this variant (Variation ID: 2071157). Invitae Evidence Modeling of protein sequence and biophysical properties (such as structural, functional, and spatial information, amino acid conservation, physicochemical variation, residue mobility, and thermodynamic stability) indicates that this missense variant is not expected to disrupt CEP290 protein function with a negative predictive value of 80%. In summary, the available evidence is currently insufficient to determine the role of this variant in disease. Therefore, it has been classified as a Variant of Uncertain Significance.

NM_025114.4(CEP290):c.1403G>A (p.Cys468Tyr)

Gene: CEP290 (centrosomal protein 290; minus strand). Cytogenetic location: 12q21.32.
Variant type: single nucleotide variant.
Coding change: c.1403G>A on transcript NM_025114.4 (MANE Select); coding-DNA position 1403, G replaced by A.
Protein change: p.Cys468Tyr; replaces cysteine 468 with tyrosine.
Molecular consequence: missense variant.
Genome position (GRCh38, 1-based): chr12:88,120,233, C>T on the plus strand (G>A on the coding strand, the complement: CEP290 is on the minus strand). VCF-style: chr12-88120233-C-T. GRCh37 (hg19) VCF-style: chr12-88514010-C-T.
Other names: c.1403G>A (NM_025114.3); short protein forms C468Y.
Identifiers: ClinVar variation 2071157 (VCV002071157.6), dbSNP rs771224749, ClinGen allele CA6712557.